The following continues an entry in ClinVar:

NM_000038.6(APC):c.994C>T (p.Arg332Ter)

Gene: APC. ClinVar aggregate classification (germline): Pathogenic. Pathogenic (13).

Submissions 8 to 15 of 15:

Quest Diagnostics Nichols Institute San Juan Capistrano
Classification: Pathogenic. Last evaluated: 2022-12-22. Review status: criteria provided, single submitter. Criteria: Quest Diagnostics criteria. Collection method: clinical testing. Allele origin: unknown.
Comment: This nonsense variant causes the premature termination of APC protein synthesis. This variant has not been reported in large, multi-ethnic general populations. In the published literature, the variant has been reported in individuals with familial adenomatous polyposis (FAP) (PMIDs: 19531215 (2009), 11748858 (2001), 10713886 (2000)), suspected FAP (PMID: 20223039 (2005)), attenuated FAP (PMIDs: 17411426 (2007), 9585611 (1998)), colorectal cancer (PMID: 25559809 (2015)), and Lynch-like syndrome (PMID: 33294277 (2020)). Based on the available information, this variant is classified as pathogenic.

Blueprint Genetics
Classification: Pathogenic for APC-related disorders. Last evaluated: 2022-09-08. Review status: criteria provided, single submitter. Criteria: ACMG Guidelines, 2015. Collection method: clinical testing. Allele origin: germline. Affected: yes. Observed: 2 variant alleles.

Fulgent Genetics
Classification: Pathogenic for Colorectal cancer; Hepatocellular carcinoma; Desmoid disease, hereditary; Familial adenomatous polyposis 1; Gastric cancer; Gastric adenocarcinoma and proximal polyposis of the stomach. Last evaluated: 2022-01-04. Review status: criteria provided, single submitter. Criteria: ACMG Guidelines, 2015. Collection method: clinical testing. Allele origin: unknown.

CeGaT Center for Human Genetics Tuebingen
Classification: Pathogenic. Last evaluated: 2021-11-01. Review status: criteria provided, single submitter. Criteria: CeGaT Center For Human Genetics Tuebingen Variant Classification Criteria Version 2. Collection method: clinical testing. Allele origin: germline. Affected: yes. Observed: 1 variant allele.

Department of Molecular Diagnostics, Institute of Oncology Ljubljana
Classification: Pathogenic for Familial adenomatous polyposis 1. Last evaluated: 2020-04-02. Review status: criteria provided, single submitter. Criteria: ACMG Guidelines, 2015. Collection method: clinical testing. Allele origin: germline. Affected: yes.

Women's Health and Genetics/Laboratory Corporation of America, LabCorp
Classification: Pathogenic for Familial adenomatous polyposis. Last evaluated: 2018-04-18. Review status: criteria provided, single submitter. Criteria: LabCorp Variant Classification Summary - May 2015. Collection method: clinical testing. Allele origin: germline.
Comment: Variant summary: APC c.994C>T (p.Arg332X) results in a premature termination codon, predicted to cause a truncation of the encoded protein or absence of the protein due to nonsense mediated decay, which are commonly known mechanisms for disease. The variant was absent in 276792 control chromosomes (gnomAD). The variant, c.994C>T, has been reported in the literature in multiple individuals affected with Familial Adenomatous Polyposis (Cao_2000, Friedl_2005). These data indicate that the variant is very likely to be associated with disease. To our knowledge, no experimental evidence demonstrating an impact on protein function has been reported. Multiple ClinVar submissions from clinical diagnostic laboratories (evaluation after 2014) cite the variant as "pathogenic." Based on the evidence outlined above, the variant was classified as pathogenic.

Department of Pathology and Laboratory Medicine, Sinai Health System
Classification: Pathogenic. Review status: no assertion criteria provided. Collection method: clinical testing. Allele origin: unknown. Affected: yes. Observed: 5 variant alleles. Study: The Canadian Open Genetics Repository (COGR). Not counted in ClinVar's aggregate classification.

Mayo Clinic Laboratories, Mayo Clinic
Classification: Pathogenic. Review status: no assertion criteria provided. Collection method: clinical testing. Allele origin: unknown. Not counted in ClinVar's aggregate classification.

Literature cited by the submitters: PubMed 17963004 (cited by Labcorp Genetics (formerly Invitae), Labcorp); PubMed 20685668 (cited by Labcorp Genetics (formerly Invitae), Labcorp); PubMed 9585611 (cited by 4 submitters); PubMed 11748858 (cited by 3 submitters); PubMed 17411426 (cited by 3 submitters); PubMed 19531215 (cited by 4 submitters); PubMed 25559809 (cited by Labcorp Genetics (formerly Invitae), Labcorp and Quest Diagnostics Nichols Institute San Juan Capistrano); PubMed 20223039 (cited by 4 submitters); PubMed 10713886 (cited by 3 submitters); PubMed 11001924 (cited by Color Diagnostics, LLC DBA Color Health); PubMed 11317365 (cited by Color Diagnostics, LLC DBA Color Health); PubMed 16461775 (cited by Color Diagnostics, LLC DBA Color Health); PubMed 23159591 (cited by Color Diagnostics, LLC DBA Color Health); PubMed 25590978 (cited by Color Diagnostics, LLC DBA Color Health); PubMed 33294277 (cited by Quest Diagnostics Nichols Institute San Juan Capistrano).